The following is an entry in ClinVar:

ClinVar aggregate classification (germline): Uncertain significance. Review status: criteria provided, multiple submitters, no conflicts (2 of 4 stars). 3 submissions from 3 submitters: Uncertain significance (3). Last evaluated 2025-11-19.

Conditions:
MSH3-related disorder. Also called: MSH3-related condition.
Hereditary cancer-predisposing syndrome. Also called: Tumor predisposition; Hereditary neoplastic syndrome; Neoplastic Syndromes, Hereditary; Hereditary Cancer Syndrome. Identifiers: Orphanet 140162, MedGen C0027672, MeSH D009386, MONDO:0015356.

Allele frequency attached by ClinVar (database versions not stated): gnomAD exomes below 0.00001 and 0.00001; TOPMed below 0.00001; ExAC 0.00001.
gnomAD v4.1: 1 of 1,613,088 alleles (0.000062%); highest among the groups gnomAD compares: African/African-American, 0.0013%; no homozygotes.

Submissions (3):

Ambry Genetics
Classification: Uncertain significance for Hereditary cancer-predisposing syndrome. Last evaluated: 2025-11-19. Review status: criteria provided, single submitter. Criteria: Ambry Variant Classification Scheme 2023. Collection method: clinical testing. Allele origin: germline.

Labcorp Genetics (formerly Invitae), Labcorp
Classification: Uncertain significance. Last evaluated: 2025-08-09. Review status: criteria provided, single submitter. Criteria: Invitae Variant Classification Sherloc (09022015). Collection method: clinical testing. Allele origin: germline.
Comment: This sequence change replaces leucine, which is neutral and non-polar, with serine, which is neutral and polar, at codon 730 of the MSH3 protein (p.Leu730Ser). This variant is present in population databases (rs756734491, gnomAD 0.007%). This variant has not been reported in the literature in individuals affected with MSH3-related conditions. ClinVar contains an entry for this variant (Variation ID: 846548). An algorithm developed to predict the effect of missense changes on protein structure and function (PolyPhen-2) suggests that this variant is likely to be disruptive. In summary, the available evidence is currently insufficient to determine the role of this variant in disease. Therefore, it has been classified as a Variant of Uncertain Significance.

PreventionGenetics, part of Exact Sciences
Classification: Uncertain significance for MSH3-related condition. Last evaluated: 2022-10-14. Review status: criteria provided, single submitter. Criteria: ACMG Guidelines, 2015. Collection method: clinical testing. Allele origin: germline.
Comment: The MSH3 c.2189T>C variant is predicted to result in the amino acid substitution p.Leu730Ser. To our knowledge, this variant has not been reported in the literature. This variant is reported in 0.0062% of alleles in individuals of African descent in gnomAD and is interpreted as uncertain significance in ClinVar. At this time, the clinical significance of this variant is uncertain due to the absence of conclusive functional and genetic evidence.

NM_002439.5(MSH3):c.2189T>C (p.Leu730Ser)

Gene: MSH3 (mutS homolog 3; plus strand). Cytogenetic location: 5q14.1.
Variant type: single nucleotide variant.
Coding change: c.2189T>C on transcript NM_002439.5 (MANE Select); coding-DNA position 2189, T replaced by C.
Protein change: p.Leu730Ser; replaces leucine 730 with serine.
Molecular consequence: missense variant.
Genome position (GRCh38, 1-based): chr5:80,768,939, T>C. VCF-style: chr5-80768939-T-C. GRCh37 (hg19) VCF-style: chr5-80064758-T-C.
Other names: short protein forms L730S.
Identifiers: ClinVar variation 846548 (VCV000846548.14), dbSNP rs756734491, ClinGen allele CA3328159.
Genomic context (GRCh38, chr5:80,768,939, plus strand): 5'-CTTTAATAAAAAAGAGGAAGGATGAAATTCAAGGTGTTATTGACGAGATCCGAATGCATT[T>C]GCAAGAAATACGAAAAATACTAAAAAATCCTTCTGCACAATATGTGACAGTATCAGGACA-3'
Protein context (NP_002430.3, residues 720-740): QGVIDEIRMH[Leu730Ser]QEIRKILKNP